The following is an entry in ClinVar:

ClinVar aggregate classification (germline): Uncertain significance (1 of 4 stars; one submission).

Submission:

GeneDx
Classification: Uncertain significance. Last evaluated: 2026-09-25. Review status: criteria provided, single submitter. Criteria: GeneDx Variant Classification Process June 2021. Collection method: clinical testing. Allele origin: germline.
Comment: Not observed at significant frequency in large population cohorts (gnomAD); Nonsense variant predicted to result in protein truncation as the last 31 amino acid(s) are lost; Has not been previously published as pathogenic or benign to our knowledge

NM_001298.3(CNGA3):c.1990C>T (p.Gln664Ter)

Gene: CNGA3 (cyclic nucleotide gated channel subunit alpha 3; plus strand). Cytogenetic location: 2q11.2.
Variant type: single nucleotide variant.
Coding change: c.1990C>T on transcript NM_001298.3 (MANE Select); coding-DNA position 1990, C replaced by T.
Protein change: p.Gln664Ter; replaces glutamine 664 with a stop codon.
Molecular consequence: nonsense.
Genome position (GRCh38, 1-based): chr2:98,397,160, C>T. VCF-style: chr2-98397160-C-T. GRCh37 (hg19) VCF-style: chr2-99013623-C-T.
Other names: c.1936C>T, p.Gln646Ter (NM_001079878.2); short protein forms Q664*, Q646*.
Identifiers: ClinVar variation 5009569 (VCV005009569.1).